The following is an entry in ClinVar:

ClinVar aggregate classification (germline): Uncertain significance (1 of 4 stars; one submission).

Submission:

Labcorp Genetics (formerly Invitae), Labcorp
Classification: Uncertain significance. Last evaluated: 2023-06-20. Review status: criteria provided, single submitter. Criteria: Invitae Variant Classification Sherloc (09022015). Collection method: clinical testing. Allele origin: germline.
Comment: This sequence change replaces arginine, which is basic and polar, with leucine, which is neutral and non-polar, at codon 1104 of the SIN3A protein (p.Arg1104Leu). This variant is not present in population databases (gnomAD no frequency). This variant has not been reported in the literature in individuals affected with SIN3A-related conditions. Advanced modeling of protein sequence and biophysical properties (such as structural, functional, and spatial information, amino acid conservation, physicochemical variation, residue mobility, and thermodynamic stability) performed at Invitae indicates that this missense variant is not expected to disrupt SIN3A protein function. In summary, the available evidence is currently insufficient to determine the role of this variant in disease. Therefore, it has been classified as a Variant of Uncertain Significance.

NM_001145358.2(SIN3A):c.3311G>T (p.Arg1104Leu)

Gene: SIN3A (SIN3 transcription regulator family member A; minus strand). Cytogenetic location: 15q24.2.
Variant type: single nucleotide variant.
Coding change: c.3311G>T on transcript NM_001145358.2 (MANE Select); coding-DNA position 3311, G replaced by T.
Protein change: p.Arg1104Leu; replaces arginine 1104 with leucine.
Molecular consequence: missense variant.
Genome position (GRCh38, 1-based): chr15:75,380,701, C>A on the plus strand (G>T on the coding strand, the complement: SIN3A is on the minus strand). VCF-style: chr15-75380701-C-A. GRCh37 (hg19) VCF-style: chr15-75673042-C-A.
Other names: c.3311G>T, p.Arg1104Leu (NM_001145357.2, NM_015477.3); short protein forms R1104L.
Identifiers: ClinVar variation 2851706 (VCV002851706.3), dbSNP rs771313894, ClinGen allele CA393486758.